The following is an entry in ClinVar:

NM_206933.4(USH2A):c.8290C>A (p.Pro2764Thr)

Gene: USH2A (usherin; minus strand). Cytogenetic location: 1q41.
Variant type: single nucleotide variant.
Coding change: c.8290C>A on transcript NM_206933.4 (MANE Select); coding-DNA position 8290, C replaced by A.
Protein change: p.Pro2764Thr; replaces proline 2764 with threonine.
Molecular consequence: missense variant.
Genome position (GRCh38, 1-based): chr1:215,879,032, G>T on the plus strand (C>A on the coding strand, the complement: USH2A is on the minus strand). VCF-style: chr1-215879032-G-T. GRCh37 (hg19) VCF-style: chr1-216052374-G-T.
Other names: short protein forms P2764T.
Identifiers: ClinVar variation 2175984 (VCV002175984.1), dbSNP rs1453243986, ClinGen allele CA344832423.

ClinVar aggregate classification (germline): Uncertain significance (1 of 4 stars; one submission).

Allele frequency attached by ClinVar (database versions not stated): gnomAD 0.00001; TOPMed 0.00001.
gnomAD v4.1: 3 of 1,613,898 alleles (0.00019%); highest among the groups gnomAD compares: Non-Finnish European, 0.00025%; no homozygotes.

Submission:

Labcorp Genetics (formerly Invitae), Labcorp
Classification: Uncertain significance. Last evaluated: 2022-07-17. Review status: criteria provided, single submitter. Criteria: Invitae Variant Classification Sherloc (09022015). Collection method: clinical testing. Allele origin: germline.
Comment: This sequence change replaces proline, which is neutral and non-polar, with threonine, which is neutral and polar, at codon 2764 of the USH2A protein (p.Pro2764Thr). The frequency data for this variant in the population databases is considered unreliable, as metrics indicate poor data quality at this position in the gnomAD database. This variant has not been reported in the literature in individuals affected with USH2A-related conditions. Algorithms developed to predict the effect of missense changes on protein structure and function (SIFT, PolyPhen-2, Align-GVGD) all suggest that this variant is likely to be disruptive. In summary, the available evidence is currently insufficient to determine the role of this variant in disease. Therefore, it has been classified as a Variant of Uncertain Significance.